The following is an entry in ClinVar:

NM_001018113.3(FANCB):c.923C>T (p.Ala308Val)

Gene: FANCB (FA complementation group B; minus strand). Cytogenetic location: Xp22.2.
Variant type: single nucleotide variant.
Coding change: c.923C>T on transcript NM_001018113.3 (MANE Select); coding-DNA position 923, C replaced by T.
Protein change: p.Ala308Val; replaces alanine 308 with valine.
Molecular consequence: missense variant.
Genome position (GRCh38, 1-based): chrX:14,864,588, G>A on the plus strand (C>T on the coding strand, the complement: FANCB is on the minus strand). VCF-style: chrX-14864588-G-A. GRCh37 (hg19) VCF-style: chrX-14882710-G-A.
Other names: c.923C>T, p.Ala308Val (NM_001324162.2, NM_152633.4); short protein forms A308V.
Identifiers: ClinVar variation 662919 (VCV000662919.8), dbSNP rs1242186487, ClinGen allele CA412443406.
Genomic context (GRCh38, chrX:14,864,588, plus strand): 5'-CAACTGAATTATTATTACAATAAGTGTTGTACCTGAAAGCTCTCTTTCCATACAGCACAA[G>A]CATTATTGGATATAAAGGATACAACGAAAAAGAGGTTTCCTCCACCTGAATCCATAAGTT-3'
Protein context (NP_001018123.1, residues 298-318): FFVVSFISNN[Ala308Val]CAVWKESFQV

ClinVar aggregate classification (germline): Uncertain significance (1 of 4 stars; one submission).

Conditions:
Fanconi anemia (FA). Also called: Fanconi's anemia. Identifiers: Orphanet 84, MedGen C0015625, MeSH D005199, MONDO:0019391.

Allele frequency attached by ClinVar (database versions not stated): gnomAD exomes 0.00001.
gnomAD v4.1: 1 of 1,192,822 alleles (0.000084%); no homozygotes.

Submission:

Labcorp Genetics (formerly Invitae), Labcorp
Classification: Uncertain significance for Fanconi anemia. Last evaluated: 2018-11-13. Review status: criteria provided, single submitter. Criteria: Invitae Variant Classification Sherloc (09022015). Collection method: clinical testing. Allele origin: germline.
Comment: In summary, the available evidence is currently insufficient to determine the role of this variant in disease. Therefore, it has been classified as a Variant of Uncertain Significance. Algorithms developed to predict the effect of missense changes on protein structure and function output the following: SIFT: "Tolerated"; PolyPhen-2: "Benign"; Align-GVGD: "Class C0". The valine amino acid residue is found in multiple mammalian species, suggesting that this missense change does not adversely affect protein function. These predictions have not been confirmed by published functional studies and their clinical significance is uncertain. This variant has not been reported in the literature in individuals with FANCB-related disease. This variant is not present in population databases (ExAC no frequency). This sequence change replaces alanine with valine at codon 308 of the FANCB protein (p.Ala308Val). The alanine residue is moderately conserved and there is a small physicochemical difference between alanine and valine.